The following is an entry in ClinVar:

ClinVar aggregate classification (germline): Uncertain significance. Review status: criteria provided, multiple submitters, no conflicts (2 of 4 stars). 2 submissions from 2 submitters: Uncertain significance (2). Last evaluated 2023-01-25.

Conditions:
Cowden syndrome (CS). Also called: Cowden's disease; Cowden's syndrome; Cowden disease. Identifiers: Orphanet 201, MedGen C0018553, MONDO:0016063. Disease mechanism: gain of function.
Inborn genetic diseases. Identifiers: MedGen C0950123, MeSH D030342.

Allele frequency attached by ClinVar (database versions not stated): gnomAD 0.00001; TOPMed 0.00001.
gnomAD v4.1: 1 of 1,576,322 alleles (0.000063%); highest among the groups gnomAD compares: Non-Finnish European, 0.000087%; no homozygotes.

Submissions (2):

Labcorp Genetics (formerly Invitae), Labcorp
Classification: Uncertain significance for Cowden syndrome. Last evaluated: 2023-01-25. Review status: criteria provided, single submitter. Criteria: Invitae Variant Classification Sherloc (09022015). Collection method: clinical testing. Allele origin: germline.
Comment: ClinVar contains an entry for this variant (Variation ID: 1788736). In summary, the available evidence is currently insufficient to determine the role of this variant in disease. Therefore, it has been classified as a Variant of Uncertain Significance. Advanced modeling of protein sequence and biophysical properties (such as structural, functional, and spatial information, amino acid conservation, physicochemical variation, residue mobility, and thermodynamic stability) has been performed at Invitae for this missense variant, however the output from this modeling did not meet the statistical confidence thresholds required to predict the impact of this variant on PIK3CA protein function. This variant has not been reported in the literature in individuals affected with PIK3CA-related conditions. This variant is not present in population databases (gnomAD no frequency). This sequence change replaces proline, which is neutral and non-polar, with serine, which is neutral and polar, at codon 757 of the PIK3CA protein (p.Pro757Ser).

Ambry Genetics
Classification: Uncertain significance for Inborn genetic diseases. Last evaluated: 2021-07-11. Review status: criteria provided, single submitter. Criteria: Ambry Variant Classification Scheme 2023. Collection method: clinical testing. Allele origin: germline.
Comment: The p.P757S variant (also known as c.2269C>T), located in coding exon 14 of the PIK3CA gene, results from a C to T substitution at nucleotide position 2269. The proline at codon 757 is replaced by serine, an amino acid with similar properties. This amino acid position is conserved. In addition, this alteration is predicted to be deleterious by in silico analysis. Since supporting evidence is limited at this time, the clinical significance of this alteration remains unclear.

NM_006218.4(PIK3CA):c.2269C>T (p.Pro757Ser)

Gene: PIK3CA (phosphatidylinositol-4,5-bisphosphate 3-kinase catalytic subunit alpha; plus strand). Cytogenetic location: 3q26.32.
Variant type: single nucleotide variant.
Coding change: c.2269C>T on transcript NM_006218.4 (MANE Select); coding-DNA position 2269, C replaced by T.
Protein change: p.Pro757Ser; replaces proline 757 with serine.
Molecular consequence: missense variant.
Genome position (GRCh38, 1-based): chr3:179,224,162, C>T. VCF-style: chr3-179224162-C-T. GRCh37 (hg19) VCF-style: chr3-178941950-C-T.
Other names: short protein forms P757S.
Identifiers: ClinVar variation 1788736 (VCV001788736.5), dbSNP rs1003780665, ClinGen allele CA88530957.